The following is an entry in ClinVar:

ClinVar aggregate classification (germline): Likely pathogenic (1 of 4 stars; one submission).

Conditions:
Autosomal recessive osteopetrosis 4. Also called: CLCN7-Related Osteopetrosis; infantile malignant CLCN7-related recessive osteopetrosis. Identifiers: Orphanet 667, MedGen C1969106, MONDO:0012676, OMIM 611490.

Submission:

Lifecell International Pvt. Ltd
Classification: Likely pathogenic for Autosomal recessive osteopetrosis 4. Review status: criteria provided, single submitter. Criteria: ACMG Guidelines, 2015. Collection method: clinical testing. Allele origin: germline. Inheritance: Autosomal recessive inheritance. Affected: yes. Observed: 1 compound heterozygote.
Comment: A Heterozygous Frameshift variant c.1714delG in Exon 19 of the CLCN7 gene that results in the amino acid substitution p.Glu572fs*6 was identified. The observed variant is novel in gnomAD exomes and genomes, respectively. The severity of the impact of this variant on the protein is high, based on the effect of the protein and REVEL score . Rare Exome Variant Ensemble Learner (REVEL) is an ensembl method for predicting the pathogenicity of missense variants based on a combination of scores from 13 individual tools: MutPred, FATHMM v2.3, VEST 3.0, PolyPhen-2, SIFT, PROVEAN, MutationAssessor, MutationTaster, LRT, GERP++, SiPhy, phyloP, and phastCons. The REVEL score for an individual missense variant can range from 0 to 1, with higher scores reflecting greater likelihood that the variant is disease-causing. Based on the above evidence this variant has been classified as Likely Pathogenic according to the ACMG guidelines.

NM_001287.6(CLCN7):c.1714del (p.Glu572fs)

Gene: CLCN7 (Cl-/H+ antiporter 7; minus strand). Cytogenetic location: 16p13.3.
Variant type: Deletion.
Coding change: c.1714del on transcript NM_001287.6 (MANE Select); coding-DNA position 1714, one base deleted (G; older notation c.1714delG).
Protein change: p.Glu572fs; shifts the reading frame from glutamic acid 572.
Molecular consequence: frameshift variant.
Genome position (GRCh38, 1-based): chr16:1,449,049, C deleted on the plus strand (G on the coding strand, the reverse complement: CLCN7 is on the minus strand); the first of 2 consecutive C bases (chr16:1,449,049-1,449,050); deleting either gives the same sequence. VCF-style (leftmost placement, unchanged base first): chr16-1449048-TC-T. GRCh37 (hg19) VCF-style: chr16-1499049-TC-T.
Other names: c.1642del, p.Glu548fs (NM_001114331.3); c.1714delG (NM_001287.6); short protein forms E548fs, E572fs.
Identifiers: ClinVar variation 2446399 (VCV002446399.2), dbSNP rs2505815947, ClinGen allele CA2580090689.